The following is an entry in ClinVar:

NM_152722.5(HEPACAM):c.121C>T (p.Arg41Cys)

Gene: HEPACAM (hepatic and glial cell adhesion molecule; minus strand). Cytogenetic location: 11q24.2.
Variant type: single nucleotide variant.
Coding change: c.121C>T on transcript NM_152722.5 (MANE Select); coding-DNA position 121, C replaced by T.
Protein change: p.Arg41Cys; replaces arginine 41 with cysteine.
Molecular consequence: missense variant.
Genome position (GRCh38, 1-based): chr11:124,925,034, G>A on the plus strand (C>T on the coding strand, the complement: HEPACAM is on the minus strand). VCF-style: chr11-124925034-G-A. GRCh37 (hg19) VCF-style: chr11-124794930-G-A.
Other names: c.121C>T, p.Arg41Cys (NM_001411043.1); c.121C>T (NM_152722.4); short protein forms R41C.
Identifiers: ClinVar variation 2432409 (VCV002432409.5), dbSNP rs917878985, ClinGen allele CA230387423.
Genomic context (GRCh38, chr11:124,925,034, plus strand): 5'-TGGTACTGCTGTACTGCACAGAAAGCAGAGCCGACTTCCCCACGGTGCCATGGATCAGGC[G>A]CACGGGGCTGGTGATGTTCACCCCCTCCAGGGGGTCTGTGAACAGAGGCCCATGAGGAAG-3'
Protein context (NP_689935.2, residues 31-51): LEGVNITSPV[Arg41Cys]LIHGTVGKSA

ClinVar aggregate classification (germline): Uncertain significance. Review status: criteria provided, multiple submitters, no conflicts (2 of 4 stars). 3 submissions from 3 submitters: Uncertain significance (3). Last evaluated 2023-06-02.

Conditions:
HEPACAM-related disorder. Also called: HEPACAM-related condition.

Allele frequency attached by ClinVar (database versions not stated): TOPMed 0.00001.
gnomAD v4.1: 14 of 1,602,550 alleles (0.00087%); highest among the groups gnomAD compares: South Asian, 0.0033%; no homozygotes.

Submissions (3):

Blueprint Genetics
Classification: Uncertain significance. Last evaluated: 2023-06-02. Review status: criteria provided, single submitter. Criteria: ACMG Guidelines, 2015. Collection method: clinical testing. Allele origin: germline.

PreventionGenetics, part of Exact Sciences
Classification: Uncertain significance for HEPACAM-related condition. Last evaluated: 2022-11-14. Review status: criteria provided, single submitter. Criteria: ACMG Guidelines, 2015. Collection method: clinical testing. Allele origin: germline.
Comment: The HEPACAM c.121C>T variant is predicted to result in the amino acid substitution p.Arg41Cys. To our knowledge, this variant has not been reported in the literature. This variant is reported in 0.00090% of alleles in individuals of European (Non-Finnish) descent in gnomAD. At this time, the clinical significance of this variant is uncertain due to the absence of conclusive functional and genetic evidence.

Revvity Omics, Revvity
Classification: Uncertain significance. Last evaluated: 2021-08-13. Review status: criteria provided, single submitter. Criteria: ACMG Guidelines, 2015. Collection method: clinical testing. Allele origin: germline.